The following is an entry in ClinVar:

GRCh38/hg38 19p13.3(chr19:945013-1223126)x1

Genes: ABCA7 (ATP binding cassette subfamily A member 7; plus strand), ARHGAP45 (Rho GTPase activating protein 45; plus strand), ARID3A (AT-rich interaction domain 3A; plus strand), CNN2 (calponin 2; plus strand), GPX4 (glutathione peroxidase 4; plus strand) and 59 more. Cytogenetic location: 19p13.3.
Variant type: copy number loss.
Change: copy number 1 (one copy instead of two) of chr19:945,013-1,223,126 (278.1 kb, GRCh38 coordinates, 1-based), cytogenetic band 19p13.3.
Identifiers: ClinVar variation 5038283 (VCV005038283.1).

ClinVar aggregate classification (germline): Pathogenic (1 of 4 stars; one submission).

Submission:

Clinical Genomics Laboratory, Laboratory for Precision Diagnostics, University of Washington
Classification: Pathogenic. Last evaluated: 2025-03-10. Review status: criteria provided, single submitter. Criteria: ACMG/ClinGen CNV Guidelines, 2019. Collection method: clinical testing. Allele origin: maternal. Affected: yes. Observed: 1 variant allele.
Comment: This interstitial deletion is approximately 278 kb in size and contains part or all of 11 protein-coding genes. The deletion removes STK11 exons 1-7 (NM_000455.5) and has a proximal breakpoint somewhere within STK11 exon 8 or intron 8. Deleting the first several exons likely causes loss of function of this copy of STK11 (OMIM 602216). Heterozygous loss-of-function variants in STK11 cause Peutz-Jeghers syndrome (PJS), a hereditary cancer predisposition condition that primarily causes gastrointestinal polyps and dark colored macules around the mouth, eyes, and nostrils.